The following is an entry in ClinVar:

ClinVar aggregate classification (germline): Uncertain significance (1 of 4 stars; one submission).

Conditions:
3-methylcrotonyl-CoA carboxylase 1 deficiency (MCC1D). Also called: MCCD TYPE 1; METHYLCROTONYLGLYCINURIA TYPE I; MCC 1 deficiency; 3 Alpha methylcrotonylglycinuria 1. Identifiers: Orphanet 6, MedGen CN028786, MONDO:0008861, OMIM 210200.

Allele frequency attached by ClinVar (database versions not stated): gnomAD exomes 0.00001.
gnomAD v4.1: 3 of 1,614,086 alleles (0.00019%); highest among the groups gnomAD compares: Non-Finnish European, 0.00025%; no homozygotes.

Submission:

Labcorp Genetics (formerly Invitae), Labcorp
Classification: Uncertain significance for 3-methylcrotonyl-CoA carboxylase 1 deficiency. Last evaluated: 2024-12-09. Review status: criteria provided, single submitter. Criteria: Invitae Variant Classification Sherloc (09022015). Collection method: clinical testing. Allele origin: germline.
Comment: This sequence change replaces glutamic acid, which is acidic and polar, with glutamine, which is neutral and polar, at codon 615 of the MCCC1 protein (p.Glu615Gln). This variant is not present in population databases (gnomAD no frequency). This missense change has been observed in individual(s) with 3 Methylcrotonyl-CoA carboxylase deficiency (PMID: 6822454). ClinVar contains an entry for this variant (Variation ID: 1497102). Invitae Evidence Modeling of protein sequence and biophysical properties (such as structural, functional, and spatial information, amino acid conservation, physicochemical variation, residue mobility, and thermodynamic stability) indicates that this missense variant is not expected to disrupt MCCC1 protein function with a negative predictive value of 95%. In summary, the available evidence is currently insufficient to determine the role of this variant in disease. Therefore, it has been classified as a Variant of Uncertain Significance.

Literature cited by the submitters: PubMed 6822454.

NM_020166.5(MCCC1):c.1843G>C (p.Glu615Gln)

Gene: MCCC1 (methylcrotonyl-CoA carboxylase subunit 1; minus strand). Cytogenetic location: 3q27.1.
Variant type: single nucleotide variant.
Coding change: c.1843G>C on transcript NM_020166.5 (MANE Select); coding-DNA position 1843, G replaced by C.
Protein change: p.Glu615Gln; replaces glutamic acid 615 with glutamine.
Molecular consequence: missense variant. On other transcripts: non-coding transcript variant (2).
Genome position (GRCh38, 1-based): chr3:183,022,443, C>G on the plus strand (G>C on the coding strand, the complement: MCCC1 is on the minus strand). VCF-style: chr3-183022443-C-G. GRCh37 (hg19) VCF-style: chr3-182740231-C-G.
Other names: c.1492G>C, p.Glu498Gln (NM_001293273.2); c.1516G>C, p.Glu506Gln (NM_001363880.1); short protein forms E615Q, E498Q, E506Q.
Identifiers: ClinVar variation 1497102 (VCV001497102.8), dbSNP rs2108441391, ClinGen allele CA355316254.
Genomic context (GRCh38, chr3:183,022,443, plus strand): 5'-CCCCAGGAGGGATATTATAAAGAAGAGACATTACCTTGGAAAATAGGTAAATAGTGTTTT[C>G]CAGGATAATCAGCTTCGCTTTACTAGCAACTCCATTAACAGAACATTTCAGGTAAGTGCA-3'
Protein context (NP_064551.3, residues 605-625): VASKAKLIIL[Glu615Gln]NTIYLFSKEG